The following is an entry in ClinVar:

NM_005732.4(RAD50):c.2416G>A (p.Glu806Lys)

Gene: RAD50 (RAD50 double strand break repair protein; plus strand). Cytogenetic location: 5q31.1.
Variant type: single nucleotide variant.
Coding change: c.2416G>A on transcript NM_005732.4 (MANE Select); coding-DNA position 2416, G replaced by A.
Protein change: p.Glu806Lys; replaces glutamic acid 806 with lysine.
Molecular consequence: missense variant.
Genome position (GRCh38, 1-based): chr5:132,603,938, G>A. VCF-style: chr5-132603938-G-A. GRCh37 (hg19) VCF-style: chr5-131939630-G-A.
Other names: short protein forms E806K.
Identifiers: ClinVar variation 2565941 (VCV002565941.2), dbSNP rs2479666001, ClinGen allele CA360955374.
Genomic context (GRCh38, chr5:132,603,938, plus strand): 5'-CAGTAAGTTTATTAAAGGAAATCATTTTGTTATATTCTTAAGATGGAACTTAAAGATGTT[G>A]AAAGAAAAATTGCACAACAAGCAGCTAAGCTACAAGGAATAGACTTAGATCGAACTGTCC-3'
Protein context (NP_005723.2, residues 796-816): ERFQMELKDV[Glu806Lys]RKIAQQAAKL

ClinVar aggregate classification (germline): Uncertain significance (1 of 4 stars; one submission).

Conditions:
Hereditary cancer-predisposing syndrome. Also called: Neoplastic Syndromes, Hereditary; Hereditary Cancer Syndrome; Hereditary neoplastic syndrome; Tumor predisposition. Identifiers: Orphanet 140162, MedGen C0027672, MeSH D009386, MONDO:0015356.

Submission:

Ambry Genetics
Classification: Uncertain significance for Hereditary cancer-predisposing syndrome. Last evaluated: 2023-05-02. Review status: criteria provided, single submitter. Criteria: Ambry Variant Classification Scheme 2023. Collection method: clinical testing. Allele origin: germline.
Comment: The p.E806K variant (also known as c.2416G>A), located in coding exon 15 of the RAD50 gene, results from a G to A substitution at nucleotide position 2416. The glutamic acid at codon 806 is replaced by lysine, an amino acid with similar properties. This amino acid position is conserved. In addition, this alteration is predicted to be deleterious by in silico analysis. Since supporting evidence is limited at this time, the clinical significance of this alteration remains unclear.